The following is an entry in ClinVar:

NM_015107.3(PHF8):c.2234C>T (p.Ala745Val)

Gene: PHF8 (PHD finger protein 8; minus strand). Cytogenetic location: Xp11.22.
Variant type: single nucleotide variant.
Coding change: c.2234C>T on transcript NM_015107.3 (MANE Select); coding-DNA position 2234, C replaced by T.
Protein change: p.Ala745Val; replaces alanine 745 with valine.
Molecular consequence: missense variant.
Genome position (GRCh38, 1-based): chrX:53,985,123, G>A on the plus strand (C>T on the coding strand, the complement: PHF8 is on the minus strand). VCF-style: chrX-53985123-G-A. GRCh37 (hg19) VCF-style: chrX-54011556-G-A.
Other names: c.2183C>T, p.Ala728Val (NM_001184898.2); c.2342C>T, p.Ala781Val (NM_001184896.1); c.1931C>T, p.Ala644Val (NM_001184897.2); short protein forms A644V, A728V, A745V, A781V.
Identifiers: ClinVar variation 1722875 (VCV001722875.2), dbSNP rs2065540679, ClinGen allele CA413252823.
Genomic context (GRCh38, chrX:53,985,123, plus strand): 5'-ACTGTGCCCAGCCCACTGCTGGAGCTCCCACTGCTTCGATCCTGTCCCCCAGTCCACCAG[G>A]CCTGCAGGCTAGAGGTAGCCGGTGAGGACGATGAGGACTGCAGGTTGGCCATGCACAGCA-3'
Protein context (NP_055922.1, residues 735-755): SSSPATSSLQ[Ala745Val]WWTGGQDRSS

ClinVar aggregate classification (germline): Uncertain significance (1 of 4 stars; one submission).

Allele frequency attached by ClinVar (database versions not stated): gnomAD exomes below 0.00001; TOPMed 0.00001.
gnomAD v4.1: 1 of 1,209,326 alleles (0.000083%); highest among the groups gnomAD compares: Non-Finnish European, 0.00011%; no homozygotes.

Submission:

GeneDx
Classification: Uncertain significance. Last evaluated: 2022-05-02. Review status: criteria provided, single submitter. Criteria: GeneDx Variant Classification Process June 2021. Collection method: clinical testing. Allele origin: germline. Affected: yes.
Comment: Not observed at significant frequency in large population cohorts (gnomAD); In silico analysis supports a deleterious effect on splicing; In silico analysis supports that this missense variant does not alter protein structure/function; Has not been previously published as pathogenic or benign to our knowledge